The following is an entry in ClinVar:

NM_000784.4(CYP27A1):c.562C>T (p.Arg188Ter)

Gene: CYP27A1 (cytochrome P450 family 27 subfamily A member 1; plus strand). Cytogenetic location: 2q35.
Variant type: single nucleotide variant.
Coding change: c.562C>T on transcript NM_000784.4 (MANE Select); coding-DNA position 562, C replaced by T.
Protein change: p.Arg188Ter; replaces arginine 188 with a stop codon.
Molecular consequence: nonsense.
Genome position (GRCh38, 1-based): chr2:218,812,337, C>T. VCF-style: chr2-218812337-C-T. GRCh37 (hg19) VCF-style: chr2-219677060-C-T.
Other names: short protein forms R188*.
Identifiers: ClinVar variation 801897 (VCV000801897.24), dbSNP rs188850202, ClinGen allele CA2112653.

ClinVar aggregate classification (germline): Pathogenic. Review status: criteria provided, multiple submitters, no conflicts (2 of 4 stars). 10 submissions from 10 submitters: Pathogenic (10). Last evaluated 2026-08-11.

Conditions:
CYP27A1-related disorder. Also called: CYP27A1-related condition.
Cholestanol storage disease (CTX). Also called: CEREBRAL CHOLESTERINOSIS; CTX: Cerebrotendinous xanthomatosis; Cerebrotendinous Xanthomatosis. Identifiers: Orphanet 909, MedGen C0238052, MONDO:0008948, OMIM 213700.

Allele frequency attached by ClinVar (database versions not stated): gnomAD exomes 0.00001 and 0.00006; gnomAD 0.00003 and 0.00004; TOPMed 0.00003; ExAC 0.00008; ESP Exome Variant Server 0.00008; 1000 Genomes Project 0.00020; 1000 Genomes Project 30x 0.00031.
gnomAD v4.1: 26 of 1,614,186 alleles (0.0016%); highest among the groups gnomAD compares: Admixed American, 0.025%; no homozygotes.

Submissions (10):

PreventionGenetics, part of Exact Sciences
Classification: Pathogenic for CYP27A1-related condition. Last evaluated: 2026-08-11. Review status: criteria provided, single submitter. Criteria: ACMG Guidelines, 2015. Collection method: clinical testing. Allele origin: germline.
Comment: The CYP27A1 c.562C>T variant is predicted to result in premature protein termination (p.Arg188*). This variant has been reported in the compound heterozygous state in multiple individuals with cerebrotendinous xanthomatosis and has been shown to segregate with disease (Chen et al. 2017. PubMed ID: 28623566; Tang et al. 2020. PubMed ID: 31914338; Zhang et al. 2020. PubMed ID: 33414089). This variant is reported in 0.035% of alleles in individuals of Latino descent in gnomAD. Nonsense variants in CYP27A1 are expected to be pathogenic. This variant is interpreted as pathogenic.

Women's Health and Genetics/Laboratory Corporation of America, LabCorp
Classification: Pathogenic for Cholestanol storage disease. Last evaluated: 2026-06-19. Review status: criteria provided, single submitter. Criteria: LabCorp Variant Classification Summary - May 2015. Collection method: clinical testing. Allele origin: germline.
Comment: Variant summary: CYP27A1 c.562C>T (p.Arg188X) results in a premature termination codon, predicted to cause a truncation of the encoded protein or absence of the protein due to nonsense mediated decay, which are commonly known mechanisms for disease. The variant allele was found at a frequency of 6e-05 in 251474 control chromosomes. This frequency is not significantly higher than estimated for disease-causing variants in CYP27A1, allowing no conclusion about variant significance. c.562C>T has been observed in individual(s) affected with Cerebrotendinous Xanthomatosis (e.g. Zhang_2021). To our knowledge, no experimental evidence demonstrating an impact on protein function has been reported. The following publication has been ascertained in the context of this evaluation (PMID: 33414089). ClinVar contains an entry for this variant (Variation ID: 801897). Based on the evidence outlined above, the variant was classified as pathogenic.

Labcorp Genetics (formerly Invitae), Labcorp
Classification: Pathogenic for Cholestanol storage disease. Last evaluated: 2025-12-23. Review status: criteria provided, single submitter. Criteria: Invitae Variant Classification Sherloc (09022015). Collection method: clinical testing. Allele origin: germline.
Comment: This sequence change creates a premature translational stop signal (p.Arg188*) in the CYP27A1 gene. It is expected to result in an absent or disrupted protein product. Loss-of-function variants in CYP27A1 are known to be pathogenic (PMID: 9392430, 10775536, 26937392). This variant is present in population databases (rs188850202, gnomAD 0.03%). This premature translational stop signal has been observed in individual(s) with cerebrotendinous xanthomatosis (PMID: 28623566). In at least one individual the data is consistent with being in trans (on the opposite chromosome) from a pathogenic variant. ClinVar contains an entry for this variant (Variation ID: 801897). For these reasons, this variant has been classified as Pathogenic.

Natera, Inc.
Classification: Pathogenic for Cerebrotendinous xanthomatosis. Last evaluated: 2025-12-07. Review status: criteria provided, single submitter. Criteria: Natera Variant Classification Schema (03/2026). Collection method: clinical testing. Allele origin: germline.
Comment: The c.562C>T variant in CYP27A1 is a nonsense variant predicted to introduce a stop codon at amino acid 188. This variant is expected to result in nonsense mediated decay, truncation, or a dysfunctional protein product. This variant is rare in the general population with a frequency below the threshold expected for the associated phenotype(s). This variant has been observed in one or more individuals affected with the associated recessive disease, as either homozygous or compound heterozygous with a second variant (PMID: 28623566). Given the available evidence, this variant is classified as Pathogenic.

GeneDx
Classification: Pathogenic. Last evaluated: 2025-08-02. Review status: criteria provided, single submitter. Criteria: GeneDx Variant Classification Process June 2021. Collection method: clinical testing. Allele origin: germline. Affected: yes.
Comment: Nonsense variant predicted to result in protein truncation or nonsense mediated decay in a gene for which loss of function is a known mechanism of disease; This variant is associated with the following publications: (PMID: 31796091, 31345219, 33313117, 33414089, 31914338, 28623566)

Variantyx, Inc.
Classification: Pathogenic for Cholestanol storage disease. Last evaluated: 2025-03-19. Review status: criteria provided, single submitter. Criteria: Variantyx Assertion Criteria 2022. Collection method: clinical testing. Allele origin: germline.
Comment: This is a nonsense variant in the CYP27A1 gene (OMIM: 606530). Pathogenic variants in this gene have been associated with autosomal recessive cerebrotendinous xanthomatosis. This variant introduces a premature termination codon in exon 3 out of 10. It is expected to result in loss of function, which is a known disease mechanism for CYP27A1 in this disorder (PMID: 9392430, 10775536, 26937392) (PVS1). This variant has been identified in the compound heterozygous state in at least 2 individuals from the published literature (PMID: 28623566 , 31914338) (PM3_Strong). This variant has a 0.0250% maximum allele frequency in non-founder control populations (PM2_Supporting). Based on the current evidence, this variant is classified as pathogenic for autosomal recessive cerebrotendinous xanthomatosis.

Fulgent Genetics
Classification: Pathogenic for Cholestanol storage disease. Last evaluated: 2024-03-21. Review status: criteria provided, single submitter. Criteria: ACMG Guidelines, 2015. Collection method: clinical testing. Allele origin: germline.

Revvity Omics, Revvity
Classification: Pathogenic for Cholestanol storage disease. Last evaluated: 2023-12-22. Review status: criteria provided, single submitter. Criteria: ACMG Guidelines, 2015. Collection method: clinical testing. Allele origin: germline.

Neuberg Centre For Genomic Medicine, NCGM
Classification: Pathogenic for Cholestanol storage disease. Last evaluated: 2023-05-20. Review status: criteria provided, single submitter. Criteria: ACMG Guidelines, 2015. Collection method: clinical testing. Allele origin: germline. Inheritance: Autosomal recessive inheritance. Affected: yes.
Comment: The observed stop gained c.562C>T(p.Arg188Ter) variant in CYP27A1 gene has been reported in compound heterozygous state in individual(s) affected with cerebrotendinous xanthomatosis (Chen C, et. al., 2017). This variant is present with an allele frequency of 0.006% in gnomAD Exomes database. This variant has been reported to the ClinVar database as Pathogenic (multiple submissions). Computational evidence (MutationTaster - disease causing) predict a damaging effect on protein structure and function for this variant. The nucleotide change c.562C>T in CYP27A1 is predicted as conserved by GERP++ and PhyloP across 100 vertebrates. This variant is predicted to cause loss of normal protein function through protein truncation. Loss-of-function variants in CYP27A1 are known to be pathogenic (Verrips A, et. al., 2000). For these reasons, this variant has been classified as Pathogenic. In the absence of another reportable variant in CYP27A1 gene, the molecular diagnosis is not confirmed

Mendelics
Classification: Pathogenic for Cholestanol storage disease. Last evaluated: 2019-05-28. Review status: criteria provided, single submitter. Criteria: Mendelics Assertion Criteria 2017. Collection method: clinical testing. Allele origin: unknown.

Literature cited by the submitters: PubMed 33414089 (cited by Women's Health and Genetics/Laboratory Corporation of America, LabCorp); PubMed 9392430 (cited by Labcorp Genetics (formerly Invitae), Labcorp); PubMed 10775536 (cited by Labcorp Genetics (formerly Invitae), Labcorp); PubMed 26937392 (cited by Labcorp Genetics (formerly Invitae), Labcorp); PubMed 28623566 (cited by Labcorp Genetics (formerly Invitae), Labcorp and Natera, Inc.).